The following is an entry in ClinVar:

NM_000202.8(IDS):c.879+1G>A

Genes: IDS (iduronate 2-sulfatase; minus strand), LOC106050102 (IDS recombination region; plus strand). Cytogenetic location: Xq28.
Variant type: single nucleotide variant.
Coding change: c.879+1G>A on transcript NM_000202.8 (MANE Select); the canonical splice donor site of the intron after coding-DNA position 879, G replaced by A.
Molecular consequence: splice donor variant.
Genome position (GRCh38, 1-based): chrX:149,496,345, C>T on the plus strand (G>A on the coding strand, the complement: IDS is on the minus strand). VCF-style: chrX-149496345-C-T. GRCh37 (hg19) VCF-style: chrX-148577876-C-T.
Other names: c.609+1G>A (NM_001166550.4); c.879+1G>A (NM_006123.5).
Identifiers: ClinVar variation 3255869 (VCV003255869.2).

ClinVar aggregate classification (germline): Pathogenic (1 of 4 stars; one submission).

Conditions:
Mucopolysaccharidosis, MPS-II (MPS2). Also called: Hunter Syndrome; IDURONATE 2-SULFATASE DEFICIENCY; Mucopolysaccharidosis Type II; Mucopolysaccharidosis type 2; Attenuated MPS (subtype; formerly known as mild MPS II); Severe MPS II. Identifiers: Orphanet 580, Orphanet 79388, MedGen C0026705, MONDO:0010674, OMIM 309900.

Submission:

Laboratory of Diagnosis and Therapy of Lysosomal Disorders, University of Padova
Classification: Pathogenic for Mucopolysaccharidosis, MPS-II. Last evaluated: 2024-06-07. Review status: criteria provided, single submitter. Criteria: ACMG Guidelines, 2015. Collection method: literature only. Allele origin: germline. Affected: yes. Observed: 3 variant alleles.
Comment: Null variant (PVS1_Strong), Absent from controls (or at low frequency) in gnomAD database (PM2_Moderate), Patient’s phenotype or family history highly specific for the disease (PP4_Strong)

Classification method: ACMG Guidelines [PMID:25741868] with modifications

Literature cited by the submitters: PubMed 9921913; PubMed 27246110; PubMed 33676511.